The following is an entry in ClinVar:

ClinVar aggregate classification (germline): Uncertain significance (1 of 4 stars; one submission).

Conditions:
Arginine:glycine amidinotransferase deficiency (CCDS3). Also called: AGAT deficiency; L-Arginine:Glycine Amidinotransferase Deficiency; Creatine deficiency syndrome due to AGAT deficiency; GATM deficiency; L-Arginine:Glycine Amidinotransferase (AGAT) Deficiency; Cerebral creatine deficiency syndrome 3. Identifiers: Orphanet 35704, MedGen C2675179, MONDO:0012996, OMIM 612718.

Allele frequency attached by ClinVar (database versions not stated): ExAC 0.00001.

Submission:

Labcorp Genetics (formerly Invitae), Labcorp
Classification: Uncertain significance for Arginine:glycine amidinotransferase deficiency. Last evaluated: 2024-10-16. Review status: criteria provided, single submitter. Criteria: Invitae Variant Classification Sherloc (09022015). Collection method: clinical testing. Allele origin: germline.
Comment: This sequence change replaces isoleucine, which is neutral and non-polar, with phenylalanine, which is neutral and non-polar, at codon 171 of the GATM protein (p.Ile171Phe). This variant is present in population databases (rs747203599, gnomAD 0.006%). This variant has not been reported in the literature in individuals affected with GATM-related conditions. ClinVar contains an entry for this variant (Variation ID: 469139). Invitae Evidence Modeling of protein sequence and biophysical properties (such as structural, functional, and spatial information, amino acid conservation, physicochemical variation, residue mobility, and thermodynamic stability) has been performed for this missense variant. However, the output from this modeling did not meet the statistical confidence thresholds required to predict the impact of this variant on GATM protein function. In summary, the available evidence is currently insufficient to determine the role of this variant in disease. Therefore, it has been classified as a Variant of Uncertain Significance.

NM_001482.3(GATM):c.511A>T (p.Ile171Phe)

Gene: GATM (glycine amidinotransferase; minus strand). Cytogenetic location: 15q21.1.
Variant type: single nucleotide variant.
Coding change: c.511A>T on transcript NM_001482.3 (MANE Select); coding-DNA position 511, A replaced by T.
Protein change: p.Ile171Phe; replaces isoleucine 171 with phenylalanine.
Molecular consequence: missense variant.
Genome position (GRCh38, 1-based): chr15:45,368,234, T>A on the plus strand (A>T on the coding strand, the complement: GATM is on the minus strand). VCF-style: chr15-45368234-T-A. GRCh37 (hg19) VCF-style: chr15-45660432-T-A.
Other names: c.124A>T, p.Ile42Phe (NM_001321015.2); short protein forms I171F, I42F.
Identifiers: ClinVar variation 469139 (VCV000469139.9), dbSNP rs747203599, ClinGen allele CA7542905.